The following is an entry in ClinVar:

ClinVar aggregate classification (germline): Pathogenic. Review status: criteria provided, multiple submitters, no conflicts (2 of 4 stars). 3 submissions from 3 submitters: Pathogenic (3). Last evaluated 2026-04-16.

Conditions:
Hereditary cancer-predisposing syndrome. Also called: Neoplastic Syndromes, Hereditary; Hereditary Cancer Syndrome; Hereditary neoplastic syndrome; Tumor predisposition. Identifiers: Orphanet 140162, MedGen C0027672, MeSH D009386, MONDO:0015356.
Familial cancer of breast. Also called: BREAST CANCER, FAMILIAL; hereditary breast carcinoma; Hereditary breast cancer. Identifiers: Orphanet 227535, MedGen C0346153, MONDO:0016419, OMIM 114480. Disease mechanism: loss of function.

Submissions (3):

Myriad Genetics, Inc.
Classification: Pathogenic for Familial cancer of breast. Last evaluated: 2026-04-16. Review status: criteria provided, single submitter. Criteria: Myriad Autosomal Dominant, Autosomal Recessive and X-Linked Classification Criteria (2023). Collection method: clinical testing. Allele origin: unknown.
Comment: This variant is considered pathogenic. This variant creates a frameshift predicted to result in premature protein truncation.

Ambry Genetics
Classification: Pathogenic for Hereditary cancer-predisposing syndrome. Last evaluated: 2019-05-23. Review status: criteria provided, single submitter. Criteria: Ambry Variant Classification Scheme 2023. Collection method: clinical testing. Allele origin: germline.
Comment: The c.1551_1552delAT pathogenic mutation, located in coding exon 4 of the PALB2 gene, results from a deletion of two nucleotides at nucleotide positions 1551 to 1552, causing a translational frameshift with a predicted alternate stop codon (p.K517Nfs*11). This alteration is expected to result in loss of function by premature protein truncation or nonsense-mediated mRNA decay. As such, this alteration is interpreted as a disease-causing mutation.

Quest Diagnostics Nichols Institute San Juan Capistrano
Classification: Pathogenic. Last evaluated: 2018-02-28. Review status: criteria provided, single submitter. Criteria: Quest Diagnostics criteria. Collection method: clinical testing. Allele origin: germline.

NM_024675.4(PALB2):c.1551_1552del (p.Lys517fs)

Gene: PALB2 (partner and localizer of BRCA2; minus strand). Cytogenetic location: 16p12.2.
Variant type: Deletion.
Coding change: c.1551_1552del on transcript NM_024675.4 (MANE Select); coding-DNA positions 1551 to 1552, 2 bases deleted (AT; older notation c.1551_1552delAT).
Protein change: p.Lys517fs; shifts the reading frame from lysine 517.
Molecular consequence: frameshift variant.
Genome position (GRCh38, 1-based): chr16:23,634,994-23,634,995, AT deleted on the plus strand (AT on the coding strand, the reverse complement: PALB2 is on the minus strand). VCF-style (leftmost placement, unchanged base first): chr16-23634993-GAT-G. GRCh37 (hg19) VCF-style: chr16-23646314-GAT-G.
Other names: c.1551_1552delAT (NM_024675.3); short protein forms K517fs.
Identifiers: ClinVar variation 619884 (VCV000619884.7), dbSNP rs1567220758, ClinGen allele CA913190441.